The following is an entry in ClinVar:

NM_000540.3(RYR1):c.5086G>A (p.Ala1696Thr)

Gene: RYR1 (ryanodine receptor 1; plus strand). Cytogenetic location: 19q13.2.
Variant type: single nucleotide variant.
Coding change: c.5086G>A on transcript NM_000540.3 (MANE Select); coding-DNA position 5086, G replaced by A.
Protein change: p.Ala1696Thr; replaces alanine 1696 with threonine.
Molecular consequence: missense variant.
Genome position (GRCh38, 1-based): chr19:38,485,741, G>A. VCF-style: chr19-38485741-G-A. GRCh37 (hg19) VCF-style: chr19-38976381-G-A.
Other names: c.5086G>A, p.Ala1696Thr (NM_001042723.2); short protein forms A1696T.
Identifiers: ClinVar variation 590551 (VCV000590551.16), dbSNP rs1179510850, ClinGen allele CA405653701.

ClinVar aggregate classification (germline): Uncertain significance. Review status: criteria provided, multiple submitters, no conflicts (2 of 4 stars). 6 submissions from 6 submitters: Uncertain significance (6). Last evaluated 2026-08-28.

Conditions:
RYR1-related disorder. Also called: RYR1-related condition; RYR1-related disorders. Identifiers: MedGen CN239331.
Malignant hyperthermia, susceptibility to, 1 (MHS1). Also called: RYR1-Related Malignant Hyperthermia Susceptibility; Anesthesia related hyperthermia; Malignant hyperpyrexia; Fulminating hyperpyrexia; Pharmacogenic myopathy; Malignant hyperthermia suceptibility 1. Identifiers: Orphanet 423, MedGen C2930980, MONDO:0007783, OMIM 145600.

Allele frequency attached by ClinVar (database versions not stated): gnomAD exomes 0.00002 and 0.00003; gnomAD 0.00002; TOPMed 0.00003.
gnomAD v4.1: 45 of 1,612,604 alleles (0.0028%); highest among the groups gnomAD compares: Non-Finnish European, 0.0034%; no homozygotes.

Submissions (6):

GeneDx
Classification: Uncertain significance. Last evaluated: 2026-08-28. Review status: criteria provided, single submitter. Criteria: GeneDx Variant Classification Process June 2021. Collection method: clinical testing. Allele origin: germline.
Comment: Reported as being present in an individual with presumed RYR1-related myopathy (PMID: 32236737); Not observed at significant frequency in large population cohorts (gnomAD); In silico analysis supports that this missense variant has a deleterious effect on protein structure/function; This variant is associated with the following publications: (PMID: 32236737)

All of Us Research Program, National Institutes of Health
Classification: Uncertain significance for Malignant hyperthermia, susceptibility to, 1. Last evaluated: 2024-07-20. Review status: criteria provided, single submitter. Criteria: ACMG Guidelines, 2015. Collection method: clinical testing. Allele origin: germline. Inheritance: Autosomal dominant inheritance. Observed: 5 variant alleles, 5 heterozygotes.
Comment: This missense variant replaces alanine with threonine at codon 1696 of the RYR1 protein. Computational prediction suggests that this variant may not impact protein structure and function (internally defined REVEL score threshold <= 0.5, PMID: 27666373). To our knowledge, functional studies have not been reported for this variant. This variant has not been reported in individuals affected with RYR1-related disorders in the literature. This variant has been identified in 4/247244 chromosomes in the general population by the Genome Aggregation Database (gnomAD). The available evidence is insufficient to determine the role of this variant in disease conclusively. Therefore, this variant is classified as a Variant of Uncertain Significance.

This study involves interpretation of variants in research participants for the purpose of population health screening. Participant phenotype was not available at the time of variant classification. Additional details can be found in publication PMID: 35346344, PMCID: PMC8962531

Color Diagnostics, LLC DBA Color Health
Classification: Uncertain significance for Malignant hyperthermia, susceptibility to, 1. Last evaluated: 2024-05-13. Review status: criteria provided, single submitter. Criteria: ACMG Guidelines, 2015. Collection method: clinical testing. Allele origin: germline.
Comment: This missense variant replaces alanine with threonine at codon 1696 of the RYR1 protein. Computational prediction suggests that this variant may not impact protein structure and function. To our knowledge, functional studies have not been reported for this variant. This variant has not been reported in individuals affected with RYR1-related disorders in the literature. This variant has been identified in 4/247244 chromosomes in the general population by the Genome Aggregation Database (gnomAD). The available evidence is insufficient to determine the role of this variant in disease conclusively. Therefore, this variant is classified as a Variant of Uncertain Significance.

Revvity Omics, Revvity
Classification: Uncertain significance. Last evaluated: 2022-12-13. Review status: criteria provided, single submitter. Criteria: ACMG Guidelines, 2015. Collection method: clinical testing. Allele origin: germline.

Labcorp Genetics (formerly Invitae), Labcorp
Classification: Uncertain significance for RYR1-related disorder. Last evaluated: 2021-09-08. Review status: criteria provided, single submitter. Criteria: Invitae Variant Classification Sherloc (09022015). Collection method: clinical testing. Allele origin: germline.
Comment: This sequence change replaces alanine with threonine at codon 1696 of the RYR1 protein (p.Ala1696Thr). The alanine residue is moderately conserved and there is a small physicochemical difference between alanine and threonine. This variant is not present in population databases (ExAC no frequency). This variant has not been reported in the literature in individuals affected with RYR1-related conditions. ClinVar contains an entry for this variant (Variation ID: 590551). Advanced modeling of protein sequence and biophysical properties (such as structural, functional, and spatial information, amino acid conservation, physicochemical variation, residue mobility, and thermodynamic stability) performed at Invitae indicates that this missense variant is not expected to disrupt RYR1 protein function. In summary, the available evidence is currently insufficient to determine the role of this variant in disease. Therefore, it has been classified as a Variant of Uncertain Significance.

PreventionGenetics, part of Exact Sciences
Classification: Uncertain significance. Last evaluated: 2016-08-19. Review status: criteria provided, single submitter. Criteria: ACMG Guidelines, 2015. Collection method: clinical testing. Allele origin: germline.